The following is an entry in ClinVar:

NM_000548.5(TSC2):c.775-10T>A

Gene: TSC2 (TSC complex subunit 2; plus strand). Cytogenetic location: 16p13.3.
Variant type: single nucleotide variant.
Coding change: c.775-10T>A on transcript NM_000548.5 (MANE Select); 10 bases into the intron before coding-DNA position 775, T replaced by A.
Molecular consequence: intron variant.
Genome position (GRCh38, 1-based): chr16:2,057,095, T>A. VCF-style: chr16-2057095-T-A. GRCh37 (hg19) VCF-style: chr16-2107096-T-A.
Other names: c.775-10T>A (NM_001370404.1, NM_001077183.3, NM_001406663.1 and 6 more transcripts); c.-538-10T>A (NM_001406694.1, NM_001406695.1); c.175-10T>A (NM_001318831.2, NM_001406688.1, NM_001406686.1 and 6 more transcripts); c.718-10T>A (NM_001406677.1); c.628-10T>A (NM_001406675.1, NM_001406676.1, NM_001318829.2 and 1 more transcripts); c.808-10T>A (NM_001318832.2); c.-657-10T>A (NM_001406696.1, NM_001406693.1, NM_001406689.1 and 4 more transcripts); c.763-10T>A (NM_001406671.1, NM_001406673.1); and 4 more.
Identifiers: ClinVar variation 3071030 (VCV003071030.1), dbSNP rs1555499018, ClinGen allele CA2825002322.

ClinVar aggregate classification (germline): Uncertain significance (1 of 4 stars; one submission).

Conditions:
Tuberous sclerosis syndrome (TSC). Also called: Tuberous Sclerosis Complex; Tuberous sclerosis. Identifiers: Orphanet 805, MedGen C0041341, MONDO:0001734.

Submission:

All of Us Research Program, National Institutes of Health
Classification: Uncertain significance for Tuberous sclerosis syndrome. Last evaluated: 2023-05-16. Review status: criteria provided, single submitter. Criteria: ACMG Guidelines, 2015. Collection method: clinical testing. Allele origin: germline. Inheritance: Autosomal dominant inheritance. Observed: 1 variant allele, 1 heterozygote.
Comment: This variant causes a T to A nucleotide substitution at the -10 position of intron 8 of the TSC2 gene. Splice site prediction tools are inconclusive regarding the impact of this variant on RNA splicing. To our knowledge, functional studies have not been reported for this variant. This variant has not been reported in individuals affected with TSC2-related disorders in the literature. This variant has not been identified in the general population by the Genome Aggregation Database (gnomAD). The available evidence is insufficient to determine the role of this variant in disease conclusively. Therefore, this variant is classified as a Variant of Uncertain Significance.

This study involves interpretation of variants in research participants for the purpose of population health screening. Participant phenotype was not available at the time of variant classification. Additional details can be found in publication PMID: 35346344, PMCID: PMC8962531